The following is an entry in ClinVar:

NM_006019.4(TCIRG1):c.931G>A (p.Val311Met)

Gene: TCIRG1 (T cell immune regulator 1, ATPase H+ transporting V0 subunit a3; plus strand). Cytogenetic location: 11q13.2.
Variant type: single nucleotide variant.
Coding change: c.931G>A on transcript NM_006019.4 (MANE Select); coding-DNA position 931, G replaced by A.
Protein change: p.Val311Met; replaces valine 311 with methionine.
Molecular consequence: missense variant.
Genome position (GRCh38, 1-based): chr11:68,044,255, G>A. VCF-style: chr11-68044255-G-A. GRCh37 (hg19) VCF-style: chr11-67811722-G-A.
Other names: c.37G>A, p.Val13Met (NM_001351059.2); c.283G>A, p.Val95Met (NM_006053.4); short protein forms V95M, V13M, V311M.
Identifiers: ClinVar variation 2196977 (VCV002196977.4), dbSNP rs78181205, ClinGen allele CA6146848.

ClinVar aggregate classification (germline): Uncertain significance. Review status: criteria provided, multiple submitters, no conflicts (2 of 4 stars). 2 submissions from 2 submitters: Uncertain significance (2). Last evaluated 2025-05-30.

Conditions:
Autosomal recessive osteopetrosis 1. Also called: ALBERS-SCHONBERG DISEASE, AUTOSOMAL RECESSIVE; TCIRG1-Related Autosomal Recessive Osteopetrosis; TCIRG1-Related Osteopetrosis. Identifiers: Orphanet 667, MedGen C1850127, MONDO:0009815, OMIM 259700.

Allele frequency attached by ClinVar (database versions not stated): TOPMed below 0.00001; gnomAD 0.00001; gnomAD exomes 0.00002; ExAC 0.00004; 1000 Genomes Project 30x 0.00016; 1000 Genomes Project 0.00020.
gnomAD v4.1: 36 of 1,602,724 alleles (0.0022%); highest among the groups gnomAD compares: East Asian, 0.041%; no homozygotes.

Submissions (2):

Labcorp Genetics (formerly Invitae), Labcorp
Classification: Uncertain significance. Last evaluated: 2025-05-30. Review status: criteria provided, single submitter. Criteria: Invitae Variant Classification Sherloc (09022015). Collection method: clinical testing. Allele origin: germline.
Comment: This sequence change replaces valine, which is neutral and non-polar, with methionine, which is neutral and non-polar, at codon 311 of the TCIRG1 protein (p.Val311Met). The frequency data for this variant in the population databases is considered unreliable, as metrics indicate poor data quality at this position in the gnomAD database. This variant has not been reported in the literature in individuals affected with TCIRG1-related conditions. ClinVar contains an entry for this variant (Variation ID: 2196977). Invitae Evidence Modeling of protein sequence and biophysical properties (such as structural, functional, and spatial information, amino acid conservation, physicochemical variation, residue mobility, and thermodynamic stability) indicates that this missense variant is not expected to disrupt TCIRG1 protein function with a negative predictive value of 80%. In summary, the available evidence is currently insufficient to determine the role of this variant in disease. Therefore, it has been classified as a Variant of Uncertain Significance.

Department of Pathology and Laboratory Medicine, Sinai Health System
Classification: Uncertain significance for Autosomal recessive osteopetrosis 1. Last evaluated: 2021-09-13. Review status: criteria provided, single submitter. Criteria: ACMG Guidelines, 2015. Collection method: research. Allele origin: germline.